The following is an entry in ClinVar:

ClinVar aggregate classification (germline): Likely benign (1 of 4 stars; one submission).

Allele frequency attached by ClinVar (database versions not stated): gnomAD 0.01660 and 0.01735; TOPMed 0.01673; 1000 Genomes Project 0.02037; 1000 Genomes Project 30x 0.02061.
gnomAD v4.1: 2,638 of 152,334 alleles (1.7%); highest among the groups gnomAD compares: East Asian, 4.1%; 25 homozygotes.

Submission:

GeneDx
Classification: Likely benign. Last evaluated: 2018-06-19. Review status: criteria provided, single submitter. Criteria: GeneDx Variant Classification (06012015). Collection method: clinical testing. Allele origin: germline. Affected: yes.
Comment: This variant is considered likely benign or benign based on one or more of the following criteria: it is a conservative change, it occurs at a poorly conserved position in the protein, it is predicted to be benign by multiple in silico algorithms, and/or has population frequency not consistent with disease.

NM_000093.5(COL5A1):c.4014+209A>G

Gene: COL5A1 (collagen type V alpha 1 chain; plus strand). Cytogenetic location: 9q34.3.
Variant type: single nucleotide variant.
Coding change: c.4014+209A>G on transcript NM_000093.5 (MANE Select); 209 bases into the intron after coding-DNA position 4014, A replaced by G.
Molecular consequence: intron variant.
Genome position (GRCh38, 1-based): chr9:134,815,113, A>G. VCF-style: chr9-134815113-A-G. GRCh37 (hg19) VCF-style: chr9-137706959-A-G.
Other names: c.4014+209A>G (NM_001278074.1).
Identifiers: ClinVar variation 674570 (VCV000674570.1), dbSNP rs62571407, ClinGen allele CA201090924.
Genomic context (GRCh38, chr9:134,815,113, plus strand): 5'-TTTCATACCAGCTACTGAACCAAAATAGTGGAGATGAGACAGGGCGTGGACTGGAGGAGA[A>G]AGCCCTGAGTGATTCTTCTCTGTGGGCCAGGCGGCCGGCTGAGATGCACGAGTGACAGCC-3'